The following is an entry in ClinVar:

ClinVar aggregate classification (germline): Uncertain significance (1 of 4 stars; one submission).

Submission:

CeGaT Center for Human Genetics Tuebingen
Classification: Uncertain significance. Last evaluated: 2024-12-01. Review status: criteria provided, single submitter. Criteria: CeGaT Center For Human Genetics Tuebingen Variant Classification Criteria Version 2. Collection method: clinical testing. Allele origin: germline. Affected: yes. Observed: 1 variant allele.
Comment: MED13: PM2

NM_005121.3(MED13):c.1075A>T (p.Ser359Cys)

Gene: MED13 (mediator complex subunit 13; minus strand). Cytogenetic location: 17q23.2.
Variant type: single nucleotide variant.
Coding change: c.1075A>T on transcript NM_005121.3 (MANE Select); coding-DNA position 1075, A replaced by T.
Protein change: p.Ser359Cys; replaces serine 359 with cysteine.
Molecular consequence: missense variant.
Genome position (GRCh38, 1-based): chr17:62,029,948, T>A on the plus strand (A>T on the coding strand, the complement: MED13 is on the minus strand). VCF-style: chr17-62029948-T-A. GRCh37 (hg19) VCF-style: chr17-60107309-T-A.
Other names: short protein forms S359C.
Identifiers: ClinVar variation 3772088 (VCV003772088.13).
Genomic context (GRCh38, chr17:62,029,948, plus strand): 5'-CTCTATCCACCACATGATTTGCTAATTTTCTGGGTATTTTCCCACCATGGTGGCTAGTAC[T>A]ATCGGAGTTGAAGCCATCAGATACTGAAGAAAATTTGACCCACTTCTGGACAGACTGAGG-3'
Protein context (NP_005112.2, residues 349-369): SSVSDGFNSD[Ser359Cys]TSHHGGKIPR